The following is an entry in ClinVar:

ClinVar aggregate classification (germline): Benign (1 of 4 stars; one submission).

Allele frequency attached by ClinVar (database versions not stated): gnomAD 0.07606 and 0.07975; TOPMed 0.08162; 1000 Genomes Project 0.09046; 1000 Genomes Project 30x 0.09572.
gnomAD v4.1: 11,462 of 152,210 alleles (7.5%); highest among the groups gnomAD compares: African/African-American, 22%; 1,057 homozygotes.

Submission:

GeneDx
Classification: Benign. Last evaluated: 2018-06-14. Review status: criteria provided, single submitter. Criteria: GeneDx Variant Classification (06012015). Collection method: clinical testing. Allele origin: germline. Affected: yes.
Comment: This variant is considered likely benign or benign based on one or more of the following criteria: it is a conservative change, it occurs at a poorly conserved position in the protein, it is predicted to be benign by multiple in silico algorithms, and/or has population frequency not consistent with disease.

NM_002474.3(MYH11):c.4954-196G>T

Genes: MYH11 (myosin heavy chain 11; minus strand), NDE1 (nudE neurodevelopment protein 1; plus strand). Cytogenetic location: 16p13.11.
Variant type: single nucleotide variant.
Coding change: c.4954-196G>T on transcript NM_002474.3 (MANE Select); 196 bases into the intron before coding-DNA position 4954, G replaced by T.
Molecular consequence: intron variant.
Genome position (GRCh38, 1-based): chr16:15,719,909, C>A on the plus strand (G>T on the coding strand, the complement: MYH11 is on the minus strand). VCF-style: chr16-15719909-C-A. GRCh37 (hg19) VCF-style: chr16-15813766-C-A.
Other names: c.948-4282C>A (NM_001143979.2, NM_017668.3); c.4954-196G>T (NM_022844.3); c.4975-196G>T (NM_001040114.2, NM_001040113.2).
Identifiers: ClinVar variation 675411 (VCV000675411.1), dbSNP rs9935327, ClinGen allele CA278597880.
Genomic context (GRCh38, chr16:15,719,909, plus strand): 5'-CTCTCAGTTCCAGGTGGCTGGTGGTGCGCTGGGAGCACCATTCTGGGTGGGCTCCACAGA[C>A]CTGCCTGAGAAGCTGAGCCCCTGATGTGATCTGAGGGCAGTGGCCAAATACCTAATAATG-3'